The following is an entry in ClinVar:

ClinVar aggregate classification (germline): Uncertain significance. Review status: criteria provided, multiple submitters, no conflicts (2 of 4 stars). 2 submissions from 2 submitters: Uncertain significance (2). Last evaluated 2024-08-27.

Conditions:
Inborn genetic diseases. Identifiers: MedGen C0950123, MeSH D030342.

Allele frequency attached by ClinVar (database versions not stated): TOPMed below 0.00001; gnomAD 0.00001.
gnomAD v4.1: 1 of 1,610,760 alleles (0.000062%); highest among the groups gnomAD compares: East Asian, 0.0022%; no homozygotes.

Submissions (2):

Ambry Genetics
Classification: Uncertain significance for Inborn genetic diseases. Last evaluated: 2024-08-27. Review status: criteria provided, single submitter. Criteria: Ambry Variant Classification Scheme 2023. Collection method: clinical testing. Allele origin: germline.

Labcorp Genetics (formerly Invitae), Labcorp
Classification: Uncertain significance. Last evaluated: 2023-07-25. Review status: criteria provided, single submitter. Criteria: Invitae Variant Classification Sherloc (09022015). Collection method: clinical testing. Allele origin: germline.
Comment: In summary, the available evidence is currently insufficient to determine the role of this variant in disease. Therefore, it has been classified as a Variant of Uncertain Significance. An algorithm developed to predict the effect of missense changes on protein structure and function (PolyPhen-2) suggests that this variant is likely to be disruptive. This variant has not been reported in the literature in individuals affected with LAMA3-related conditions. This variant is present in population databases (no rsID available, gnomAD 0.06%). This sequence change replaces proline, which is neutral and non-polar, with alanine, which is neutral and non-polar, at codon 634 of the LAMA3 protein (p.Pro634Ala).

NM_198129.4(LAMA3):c.6727C>G (p.Pro2243Ala)

Gene: LAMA3 (laminin subunit alpha 3; plus strand). Cytogenetic location: 18q11.2.
Variant type: single nucleotide variant.
Coding change: c.6727C>G on transcript NM_198129.4 (MANE Select); coding-DNA position 6727, C replaced by G.
Protein change: p.Pro2243Ala; replaces proline 2243 with alanine.
Molecular consequence: missense variant.
Genome position (GRCh38, 1-based): chr18:23,907,558, C>G. VCF-style: chr18-23907558-C-G. GRCh37 (hg19) VCF-style: chr18-21487522-C-G.
Other names: c.1900C>G (NM_000227.3); c.1900C>G, p.Pro634Ala (NM_000227.6); c.6559C>G, p.Pro2187Ala (NM_001127717.4); c.1732C>G, p.Pro578Ala (NM_001127718.4); short protein forms P2187A, P2243A, P578A, P634A.
Identifiers: ClinVar variation 2996961 (VCV002996961.4), dbSNP rs1169431192, ClinGen allele CA402052497.